The following is an entry in ClinVar:

ClinVar aggregate classification (germline): Uncertain significance (1 of 4 stars; one submission).

Conditions:
Andersen Tawil syndrome (LQT7). Also called: LONG QT SYNDROME 7; PERIODIC PARALYSIS, POTASSIUM-SENSITIVE CARDIODYSRHYTHMIC TYPE; Andersen Syndrome; ANDERSEN CARDIODYSRHYTHMIC PERIODIC PARALYSIS; Potassium-sensitive periodic paralysis, ventricular ectopy, and dysmorphic features. Identifiers: Orphanet 37553, MedGen C1563715, MONDO:0008222, OMIM 170390.
Short QT syndrome type 3. Identifiers: Orphanet 51083, MedGen C1865018, MONDO:0012314, OMIM 609622.

gnomAD v4.1: 1 of 1,614,146 alleles (0.000062%); highest among the groups gnomAD compares: African/African-American, 0.0013%; no homozygotes.

Submission:

Labcorp Genetics (formerly Invitae), Labcorp
Classification: Uncertain significance for Short QT syndrome type 3; Andersen Tawil syndrome. Last evaluated: 2025-10-05. Review status: criteria provided, single submitter. Criteria: Invitae Variant Classification Sherloc (09022015). Collection method: clinical testing. Allele origin: germline.
Comment: This sequence change replaces isoleucine, which is neutral and non-polar, with methionine, which is neutral and non-polar, at codon 267 of the KCNJ2 protein (p.Ile267Met). This variant is not present in population databases (gnomAD no frequency). This variant has not been reported in the literature in individuals affected with KCNJ2-related conditions. Invitae Evidence Modeling of protein sequence and biophysical properties (such as structural, functional, and spatial information, amino acid conservation, physicochemical variation, residue mobility, and thermodynamic stability) indicates that this missense variant is not expected to disrupt KCNJ2 protein function with a negative predictive value of 95%. In summary, the available evidence is currently insufficient to determine the role of this variant in disease. Therefore, it has been classified as a Variant of Uncertain Significance.

NM_000891.3(KCNJ2):c.801C>G (p.Ile267Met)

Gene: KCNJ2 (potassium inwardly rectifying channel subfamily J member 2; plus strand). Cytogenetic location: 17q24.3.
Variant type: single nucleotide variant.
Coding change: c.801C>G on transcript NM_000891.3 (MANE Select); coding-DNA position 801, C replaced by G.
Protein change: p.Ile267Met; replaces isoleucine 267 with methionine.
Molecular consequence: missense variant.
Genome position (GRCh38, 1-based): chr17:70,175,840, C>G. VCF-style: chr17-70175840-C-G. GRCh37 (hg19) VCF-style: chr17-68171981-C-G.
Other names: short protein forms I267M.
Identifiers: ClinVar variation 4793302 (VCV004793302.1).